The following is an entry in ClinVar:

NM_016247.4(IMPG2):c.3682G>C (p.Glu1228Gln)

Gene: IMPG2 (interphotoreceptor matrix proteoglycan 2; minus strand). Cytogenetic location: 3q12.3.
Variant type: single nucleotide variant.
Coding change: c.3682G>C on transcript NM_016247.4 (MANE Select); coding-DNA position 3682, G replaced by C.
Protein change: p.Glu1228Gln; replaces glutamic acid 1228 with glutamine.
Molecular consequence: missense variant.
Genome position (GRCh38, 1-based): chr3:101,228,828, C>G on the plus strand (G>C on the coding strand, the complement: IMPG2 is on the minus strand). VCF-style: chr3-101228828-C-G. GRCh37 (hg19) VCF-style: chr3-100947672-C-G.
Other names: short protein forms E1228Q.
Identifiers: ClinVar variation 1040644 (VCV001040644.8), dbSNP rs1305022125, ClinGen allele CA353846439.
Genomic context (GRCh38, chr3:101,228,828, plus strand): 5'-CGGGGTGGGGGGCTGTTTCAAAAGCTTACACTTGTTGCTCTCTCACAAAAGCTGCAAACT[C>G]AGGATCATTGGCATACAGTTCCAAAACTCTCATTCTCTCTTGAATTTCCTTAAACAAAAA-3'
Protein context (NP_057331.2, residues 1218-1238): RVLELYANDP[Glu1228Gln]FAAFVREQQV

ClinVar aggregate classification (germline): Uncertain significance. Review status: criteria provided, multiple submitters, no conflicts (2 of 4 stars). 2 submissions from 2 submitters: Uncertain significance (2). Last evaluated 2021-09-28.

Allele frequency attached by ClinVar (database versions not stated): TOPMed 0.00001.
gnomAD v4.1: 5 of 1,613,980 alleles (0.00031%); highest among the groups gnomAD compares: Non-Finnish European, 0.00042%; no homozygotes.

Submissions (2):

Blueprint Genetics
Classification: Uncertain significance. Last evaluated: 2021-09-28. Review status: criteria provided, single submitter. Criteria: ACMG Guidelines, 2015. Collection method: clinical testing. Allele origin: germline.

Labcorp Genetics (formerly Invitae), Labcorp
Classification: Uncertain significance. Last evaluated: 2020-06-06. Review status: criteria provided, single submitter. Criteria: Invitae Variant Classification Sherloc (09022015). Collection method: clinical testing. Allele origin: germline.
Comment: This sequence change replaces glutamic acid with glutamine at codon 1228 of the IMPG2 protein (p.Glu1228Gln). The glutamic acid residue is highly conserved and there is a small physicochemical difference between glutamic acid and glutamine. In summary, the available evidence is currently insufficient to determine the role of this variant in disease. Therefore, it has been classified as a Variant of Uncertain Significance. Algorithms developed to predict the effect of missense changes on protein structure and function output the following: SIFT: "Tolerated"; PolyPhen-2: "Benign"; Align-GVGD: "Class C0". The glutamine amino acid residue is found in multiple mammalian species, suggesting that this missense change does not adversely affect protein function. These predictions have not been confirmed by published functional studies and their clinical significance is uncertain. This variant has not been reported in the literature in individuals with IMPG2-related conditions. This variant is not present in population databases (ExAC no frequency).